The following is an entry in ClinVar:

NM_198578.4(LRRK2):c.2587A>G (p.Asn863Asp)

Gene: LRRK2 (leucine rich repeat kinase 2; plus strand). Cytogenetic location: 12q12.
Variant type: single nucleotide variant.
Coding change: c.2587A>G on transcript NM_198578.4 (MANE Select); coding-DNA position 2587, A replaced by G.
Protein change: p.Asn863Asp; replaces asparagine 863 with aspartic acid.
Molecular consequence: missense variant.
Genome position (GRCh38, 1-based): chr12:40,287,437, A>G. VCF-style: chr12-40287437-A-G. GRCh37 (hg19) VCF-style: chr12-40681239-A-G.
Other names: short protein forms N863D.
Identifiers: ClinVar variation 1793439 (VCV001793439.3), dbSNP rs759219386, ClinGen allele CA235338538.
Genomic context (GRCh38, chr12:40,287,437, plus strand): 5'-GTGATCAGATATCAGATGAAAAGTGCTGTGGAAGAAGGAACAGCCTCAGGCAGCGATGGA[A>G]ATTTTTCTGAAGATGTGCTGTCTAAATTTGATGAATGGACCTTTATTCCTGACTCTTCTA-3'
Protein context (NP_940980.4, residues 853-873): EEGTASGSDG[Asn863Asp]FSEDVLSKFD

ClinVar aggregate classification (germline): Uncertain significance (1 of 4 stars; one submission).

Conditions:
Inborn genetic diseases. Identifiers: MedGen C0950123, MeSH D030342.

Allele frequency attached by ClinVar (database versions not stated): gnomAD exomes below 0.00001.
gnomAD v4.1: 1 of 1,612,806 alleles (0.000062%); highest among the groups gnomAD compares: African/African-American, 0.0013%; no homozygotes.

Submission:

Ambry Genetics
Classification: Uncertain significance for Inborn genetic diseases. Last evaluated: 2024-09-09. Review status: criteria provided, single submitter. Criteria: Ambry Variant Classification Scheme 2023. Collection method: clinical testing. Allele origin: germline.
Comment: The p.N863D variant (also known as c.2587A>G), located in coding exon 20 of the LRRK2 gene, results from an A to G substitution at nucleotide position 2587. The asparagine at codon 863 is replaced by aspartic acid, an amino acid with highly similar properties. This amino acid position is conserved. In addition, this alteration is predicted to be tolerated by in silico analysis. Since supporting evidence is limited at this time, the clinical significance of this alteration remains unclear.